The following is an entry in ClinVar:

ClinVar aggregate classification (germline): Uncertain significance (1 of 4 stars; one submission).

Allele frequency attached by ClinVar (database versions not stated): gnomAD exomes 0.00001; ESP Exome Variant Server 0.00008.
gnomAD v4.1: 12 of 1,602,728 alleles (0.00075%); highest among the groups gnomAD compares: Non-Finnish European, 0.00094%; no homozygotes.

Submissions (2):

Labcorp Genetics (formerly Invitae), Labcorp
Classification: Uncertain significance. Last evaluated: 2023-05-29. Review status: criteria provided, single submitter. Criteria: Invitae Variant Classification Sherloc (09022015). Collection method: clinical testing. Allele origin: germline.
Comment: This sequence change replaces alanine, which is neutral and non-polar, with valine, which is neutral and non-polar, at codon 35 of the ATP6V1A protein (p.Ala35Val). The frequency data for this variant in the population databases is considered unreliable, as metrics indicate poor data quality at this position in the gnomAD database. This variant has not been reported in the literature in individuals affected with ATP6V1A-related conditions. Advanced modeling of protein sequence and biophysical properties (such as structural, functional, and spatial information, amino acid conservation, physicochemical variation, residue mobility, and thermodynamic stability) performed at Invitae indicates that this missense variant is not expected to disrupt ATP6V1A protein function. In summary, the available evidence is currently insufficient to determine the role of this variant in disease. Therefore, it has been classified as a Variant of Uncertain Significance.

Dr. Peter K. Rogan Lab, Western University
No classification provided (evidence only). Condition: Ovarian serous cystadenocarcinoma. Review status: no classification provided. Collection method: in vitro. Allele origin: not applicable. Functional consequence: retained intron. Not counted in ClinVar's aggregate classification.

NM_001690.4(ATP6V1A):c.104C>T (p.Ala35Val)

Gene: ATP6V1A (ATPase H+ transporting V1 subunit A; plus strand). Cytogenetic location: 3q13.31.
Variant type: single nucleotide variant.
Coding change: c.104C>T on transcript NM_001690.4 (MANE Select); coding-DNA position 104, C replaced by T.
Protein change: p.Ala35Val; replaces alanine 35 with valine.
Molecular consequence: missense variant.
Genome position (GRCh38, 1-based): chr3:113,781,071, C>T. VCF-style: chr3-113781071-C-T. GRCh37 (hg19) VCF-style: chr3-113499918-C-T.
Other names: short protein forms A35V.
Identifiers: ClinVar variation 2968057 (VCV002968057.4), dbSNP rs367827756, ClinGen allele CA81618795.